The following is an entry in ClinVar:

NM_000245.4(MET):c.3049C>G (p.Gln1017Glu)

Gene: MET (MET proto-oncogene, receptor tyrosine kinase; plus strand). Cytogenetic location: 7q31.2.
Variant type: single nucleotide variant.
Coding change: c.3049C>G on transcript NM_000245.4 (MANE Select); coding-DNA position 3049, C replaced by G.
Protein change: p.Gln1017Glu; replaces glutamine 1017 with glutamic acid.
Molecular consequence: missense variant.
Genome position (GRCh38, 1-based): chr7:116,774,901, C>G. VCF-style: chr7-116774901-C-G. GRCh37 (hg19) VCF-style: chr7-116414955-C-G.
Other names: c.3103C>G, p.Gln1035Glu (NM_001127500.3); c.1759C>G, p.Gln587Glu (NM_001324402.2); short protein forms Q1035E, Q587E, Q1017E.
Identifiers: ClinVar variation 968291 (VCV000968291.9), dbSNP rs1794946568, ClinGen allele CA368987824.
Genomic context (GRCh38, chr7:116,774,901, plus strand): 5'-TTTTACTGTTGTTCTTTAATAATTTTCCTTCATCTTACAGATCAGTTTCCTAATTCATCT[C>G]AGAACGGTTCATGCCGACAAGTGCAGTATCCTCTGACAGACATGTCCCCCATCCTAACTA-3'
Protein context (NP_000236.2, residues 1007-1027): FPEDQFPNSS[Gln1017Glu]NGSCRQVQYP

ClinVar aggregate classification (germline): Uncertain significance (1 of 4 stars; one submission).

Conditions:
Renal cell carcinoma. Identifiers: Orphanet 217071, MedGen C0007134, MeSH D002292, MONDO:0005086, HP:0005584.

Submission:

Labcorp Genetics (formerly Invitae), Labcorp
Classification: Uncertain significance for Renal cell carcinoma. Last evaluated: 2019-10-09. Review status: criteria provided, single submitter. Criteria: Invitae Variant Classification Sherloc (09022015). Collection method: clinical testing. Allele origin: germline.
Comment: This sequence change replaces glutamine with glutamic acid at codon 1035 of the MET protein (p.Gln1035Glu). The glutamine residue is highly conserved and there is a small physicochemical difference between glutamine and glutamic acid. This variant is not present in population databases (ExAC no frequency). This variant has not been reported in the literature in individuals with MET-related conditions. Algorithms developed to predict the effect of missense changes on protein structure and function are either unavailable or do not agree on the potential impact of this missense change (SIFT: "Tolerated"; PolyPhen-2: "Probably Damaging"; Align-GVGD: "Class C0"). In summary, the available evidence is currently insufficient to determine the role of this variant in disease. Therefore, it has been classified as a Variant of Uncertain Significance.